The following is an entry in ClinVar:

NM_002971.6(SATB1):c.1877C>A (p.Pro626Gln)

Gene: SATB1 (SATB homeobox 1; minus strand). Cytogenetic location: 3p24.3.
Variant type: single nucleotide variant.
Coding change: c.1877C>A on transcript NM_002971.6 (MANE Select); coding-DNA position 1877, C replaced by A.
Protein change: p.Pro626Gln; replaces proline 626 with glutamine.
Molecular consequence: missense variant.
Genome position (GRCh38, 1-based): chr3:18,349,585, G>T on the plus strand (C>A on the coding strand, the complement: SATB1 is on the minus strand). VCF-style: chr3-18349585-G-T. GRCh37 (hg19) VCF-style: chr3-18391077-G-T.
Other names: c.1877C>A, p.Pro626Gln (NM_001131010.4, NM_001322872.2, NM_001322873.2 and 2 more transcripts); c.1973C>A, p.Pro658Gln (NM_001195470.3, NM_001322871.2); c.1661C>A, p.Pro554Gln (NM_001322876.2); short protein forms P554Q, P626Q, P658Q.
Identifiers: ClinVar variation 3357177 (VCV003357177.1).
Genomic context (GRCh38, chr3:18,349,585, plus strand): 5'-CGGGTCTTCTGTCGGTTTTCCTCATCTGACTCTGCTGGAGAGGCCACCGTGGGTTGCCGT[G>T]GGGGGAGCCGAGGGCCTGTCTGTGGCTGCTGCTGTGGCTGTGGAGGCGGCGGTGCCTGCT-3'
Protein context (NP_002962.1, residues 616-636): QQPQTGPRLP[Pro626Gln]RQPTVASPAE

ClinVar aggregate classification (germline): Likely benign (0 of 4 stars; one submission).

Conditions:
SATB1-related disorder. Also called: SATB1-related condition.

gnomAD v4.1: 58 of 1,613,434 alleles (0.0036%); highest among the groups gnomAD compares: Non-Finnish European, 0.0046%; no homozygotes.

Submission:

PreventionGenetics, part of Exact Sciences
Classification: Likely benign for SATB1-related condition. Last evaluated: 2024-06-05. Review status: no assertion criteria provided. Collection method: clinical testing. Allele origin: germline.
Comment: This variant is classified as likely benign based on ACMG/AMP sequence variant interpretation guidelines (Richards et al. 2015 PMID: 25741868, with internal and published modifications).